The following is an entry in ClinVar:

NM_007294.4(BRCA1):c.3701T>G (p.Val1234Gly)

Genes: BRCA1 (BRCA1 DNA repair associated; minus strand), LOC126862571 (BRD4-independent group 4 enhancer GRCh37_chr17:41243136-41244335; plus strand). Cytogenetic location: 17q21.31.
Variant type: single nucleotide variant.
Coding change: c.3701T>G on transcript NM_007294.4 (MANE Select); coding-DNA position 3701, T replaced by G.
Protein change: p.Val1234Gly; replaces valine 1234 with glycine.
Molecular consequence: missense variant. On other transcripts: intron variant (135).
Genome position (GRCh38, 1-based): chr17:43,091,830, A>C on the plus strand (T>G on the coding strand, the complement: BRCA1 is on the minus strand). VCF-style: chr17-43091830-A-C. GRCh37 (hg19) VCF-style: chr17-41243847-A-C.
Other names: c.3488T>G, p.Val1163Gly (NM_001407571.1, NM_001407853.1, NM_001407894.1 and 9 more transcripts); c.3701T>G, p.Val1234Gly (NM_001407581.1, NM_001407582.1, NM_001407583.1 and 30 more transcripts); c.3698T>G, p.Val1233Gly (NM_001407587.1, NM_001407590.1, NM_001407591.1 and 22 more transcripts); c.3692T>G, p.Val1231Gly (NM_001407646.1, NM_001407647.1); c.3578T>G, p.Val1193Gly (NM_001407648.1, NM_001407664.1, NM_001407665.1 and 19 more transcripts); c.3575T>G, p.Val1192Gly (NM_001407649.1, NM_001407670.1, NM_001407671.1 and 11 more transcripts); c.3623T>G, p.Val1208Gly (NM_001407653.1, NM_001407654.1, NM_001407655.1 and 4 more transcripts); c.3620T>G, p.Val1207Gly (NM_001407659.1, NM_001407660.1, NM_001407661.1 and 1 more transcripts); and 41 more; short protein forms V1106G, V1123G, V1145G, V1163G, V1187G, V1066G, V1193G, V1234G.
Identifiers: ClinVar variation 2131382 (VCV002131382.6), dbSNP rs2154293887, ClinGen allele CA10594561.

ClinVar aggregate classification (germline): Conflicting classifications of pathogenicity. Review status: criteria provided, conflicting classifications (1 of 4 stars). 2 submissions from 2 submitters: Uncertain significance (1); Likely benign (1). Last evaluated 2023-03-23.

Conditions:
Hereditary cancer-predisposing syndrome. Also called: Hereditary neoplastic syndrome; Hereditary Cancer Syndrome; Tumor predisposition; Neoplastic Syndromes, Hereditary. Identifiers: Orphanet 140162, MedGen C0027672, MeSH D009386, MONDO:0015356.
Hereditary breast ovarian cancer syndrome. Also called: Hereditary breast and ovarian cancer; Hereditary breast and/or ovarian cancer syndrome; Hereditary breast and ovarian cancer syndrome (HBOC); Breast and ovarian cancer; Hereditary breast and ovarian cancer syndrome; BRCA1- and BRCA2-Associated Hereditary Breast and Ovarian Cancer. Identifiers: Orphanet 145, MedGen C0677776, MeSH D061325, MONDO:0003582. Disease mechanism: loss of function.

Submissions (2):

University of Washington Department of Laboratory Medicine, University of Washington
Classification: Likely benign for Hereditary cancer-predisposing syndrome. Last evaluated: 2023-03-23. Review status: criteria provided, single submitter. Criteria: Dines et al. (Genet Med. 2020). Collection method: curation. Allele origin: germline.
Comment: Missense variant in a coldspot region where missense variants are very unlikely to be pathogenic (PMID:31911673).

BRCA1 coldspot (exon 11 using historical exon numbering). Reclassification based on statistical prior probability

Labcorp Genetics (formerly Invitae), Labcorp
Classification: Uncertain significance for Hereditary breast ovarian cancer syndrome. Last evaluated: 2022-04-28. Review status: criteria provided, single submitter. Criteria: Invitae Variant Classification Sherloc (09022015). Collection method: clinical testing. Allele origin: germline.
Comment: This sequence change replaces valine, which is neutral and non-polar, with glycine, which is neutral and non-polar, at codon 1234 of the BRCA1 protein (p.Val1234Gly). Advanced modeling of protein sequence and biophysical properties (such as structural, functional, and spatial information, amino acid conservation, physicochemical variation, residue mobility, and thermodynamic stability) performed at Invitae indicates that this missense variant is not expected to disrupt BRCA1 protein function. This variant has not been reported in the literature in individuals affected with BRCA1-related conditions. In summary, the available evidence is currently insufficient to determine the role of this variant in disease. Therefore, it has been classified as a Variant of Uncertain Significance. This variant is not present in population databases (gnomAD no frequency).